The following is an entry in ClinVar:

NM_138694.4(PKHD1):c.4034del (p.Gly1345fs)

Gene: PKHD1 (PKHD1 ciliary IPT domain containing fibrocystin/polyductin; minus strand). Cytogenetic location: 6p12.2.
Variant type: Deletion.
Coding change: c.4034del on transcript NM_138694.4 (MANE Select); coding-DNA position 4034, one base deleted (G; older notation c.4034delG).
Protein change: p.Gly1345fs; shifts the reading frame from glycine 1345.
Molecular consequence: frameshift variant.
Genome position (GRCh38, 1-based): chr6:52,025,776, C deleted on the plus strand (G on the coding strand, the reverse complement: PKHD1 is on the minus strand); the first of 3 consecutive C bases (chr6:52,025,776-52,025,778); deleting any one gives the same sequence. VCF-style (leftmost placement, unchanged base first): chr6-52025775-GC-G. GRCh37 (hg19) VCF-style: chr6-51890573-GC-G.
Other names: c.4034delG (NM_138694.3); c.4034del, p.Gly1345fs (NM_170724.3); short protein forms G1345fs.
Identifiers: ClinVar variation 1372818 (VCV001372818.7), dbSNP rs2128145261, ClinGen allele CA2573140978.

ClinVar aggregate classification (germline): Pathogenic/Likely pathogenic. Review status: criteria provided, multiple submitters, no conflicts (2 of 4 stars). 2 submissions from 2 submitters: Pathogenic (1); Likely pathogenic (1). Last evaluated 2025-01-14.

Conditions:
Autosomal recessive polycystic kidney disease (ARPKD). Also called: AR polycystic kidney disease. Identifiers: Orphanet 731, Orphanet 8378, MedGen C0085548, MeSH D017044, MONDO:0009889.

Submissions (2):

Natera, Inc.
Classification: Likely pathogenic for Autosomal recessive polycystic kidney disease. Last evaluated: 2025-01-14. Review status: criteria provided, single submitter. Criteria: Natera Variant Classification Schema (03/2026). Collection method: clinical testing. Allele origin: germline.
Comment: The c.4034delG variant in PKHD1 is a frameshift variant predicted to shift the reading frame beginning at codon 1345 and leads to a stop codon 3 codons downstream. This variant is expected to result in nonsense mediated decay, truncation, or a dysfunctional protein product. This variant is rare in the general population with a frequency below the threshold expected for the associated phenotype(s). Given the available evidence, this variant is classified as Likely Pathogenic.

Labcorp Genetics (formerly Invitae), Labcorp
Classification: Pathogenic for Autosomal recessive polycystic kidney disease. Last evaluated: 2020-12-04. Review status: criteria provided, single submitter. Criteria: Invitae Variant Classification Sherloc (09022015). Collection method: clinical testing. Allele origin: germline.
Comment: This sequence change creates a premature translational stop signal (p.Gly1345Alafs*3) in the PKHD1 gene. It is expected to result in an absent or disrupted protein product. Loss-of-function variants in PKHD1 are known to be pathogenic (PMID: 19940839). This variant is not present in population databases (ExAC no frequency). This variant has not been reported in the literature in individuals with PKHD1-related conditions. For these reasons, this variant has been classified as Pathogenic.

Literature cited by the submitters: PubMed 19940839 (cited by Labcorp Genetics (formerly Invitae), Labcorp).